The following is an entry in ClinVar:

NM_003482.4(KMT2D):c.8909G>A (p.Ser2970Asn)

Gene: KMT2D (lysine methyltransferase 2D; minus strand). Cytogenetic location: 12q13.12.
Variant type: single nucleotide variant.
Coding change: c.8909G>A on transcript NM_003482.4 (MANE Select); coding-DNA position 8909, G replaced by A.
Protein change: p.Ser2970Asn; replaces serine 2970 with asparagine.
Molecular consequence: missense variant.
Genome position (GRCh38, 1-based): chr12:49,038,447, C>T on the plus strand (G>A on the coding strand, the complement: KMT2D is on the minus strand). VCF-style: chr12-49038447-C-T. GRCh37 (hg19) VCF-style: chr12-49432230-C-T.
Other names: short protein forms S2970N.
Identifiers: ClinVar variation 4856180 (VCV004856180.1).

ClinVar aggregate classification (germline): Uncertain significance (1 of 4 stars; one submission).

Conditions:
Kabuki syndrome 1 (KABUK1). Also called: KMT2D-Related Kabuki Syndrome. Identifiers: Orphanet 2322, MedGen CN030661, MONDO:0007843, OMIM 147920.

Submission:

3billion
Classification: Uncertain significance for Kabuki syndrome 1. Last evaluated: 2025-09-22. Review status: criteria provided, single submitter. Criteria: ACMG Guidelines, 2015. Collection method: clinical testing. Allele origin: germline. Affected: yes.
Comment: The variant is not observed in the gnomAD v4.1.0 dataset. Predicted Consequence/Location: Missense variant Therefore, this variant is classified as VUS according to the recommendation of ACMG/AMP guideline.